The following is an entry in ClinVar:

NM_001291415.2(KDM6A):c.2197G>A (p.Gly733Arg)

Gene: KDM6A (lysine demethylase 6A; plus strand). Cytogenetic location: Xp11.3.
Variant type: single nucleotide variant.
Coding change: c.2197G>A on transcript NM_001291415.2 (MANE Select); coding-DNA position 2197, G replaced by A.
Protein change: p.Gly733Arg; replaces glycine 733 with arginine.
Molecular consequence: missense variant. On other transcripts: non-coding transcript variant (1).
Genome position (GRCh38, 1-based): chrX:45,069,696, G>A. VCF-style: chrX-45069696-G-A. GRCh37 (hg19) VCF-style: chrX-44928941-G-A.
Other names: c.2062G>A, p.Gly688Arg (NM_001291416.2); c.1906G>A, p.Gly636Arg (NM_001291417.2); c.1804G>A, p.Gly602Arg (NM_001291418.2); c.1153G>A, p.Gly385Arg (NM_001291421.2); c.1939G>A, p.Gly647Arg (NM_001410742.1); c.2041G>A, p.Gly681Arg (NM_021140.4); short protein forms G385R, G636R, G688R, G733R, G647R, G681R, G602R.
Identifiers: ClinVar variation 2189602 (VCV002189602.4), dbSNP rs2148037200, ClinGen allele CA412792568.

ClinVar aggregate classification (germline): Uncertain significance (1 of 4 stars; one submission).

Conditions:
Kabuki syndrome 2 (KABUK2). Also called: KDM6A-Related Kabuki Syndrome. Identifiers: Orphanet 2322, MedGen C3275495, MONDO:0010465, OMIM 300867.

Submission:

Labcorp Genetics (formerly Invitae), Labcorp
Classification: Uncertain significance for Kabuki syndrome 2. Last evaluated: 2022-08-21. Review status: criteria provided, single submitter. Criteria: Invitae Variant Classification Sherloc (09022015). Collection method: clinical testing. Allele origin: germline.
Comment: This variant is not present in population databases (gnomAD no frequency). This sequence change replaces glycine, which is neutral and non-polar, with arginine, which is basic and polar, at codon 681 of the KDM6A protein (p.Gly681Arg). In summary, the available evidence is currently insufficient to determine the role of this variant in disease. Therefore, it has been classified as a Variant of Uncertain Significance. Algorithms developed to predict the effect of missense changes on protein structure and function are either unavailable or do not agree on the potential impact of this missense change (SIFT: "Deleterious"; PolyPhen-2: "Benign"; Align-GVGD: "Class C15"). This variant has not been reported in the literature in individuals affected with KDM6A-related conditions.